The following is an entry in ClinVar:

NM_000537.4(REN):c.1085G>A (p.Cys362Tyr)

Gene: REN (renin; minus strand). Cytogenetic location: 1q32.1.
Variant type: single nucleotide variant.
Coding change: c.1085G>A on transcript NM_000537.4 (MANE Select); coding-DNA position 1085, G replaced by A.
Protein change: p.Cys362Tyr; replaces cysteine 362 with tyrosine.
Molecular consequence: missense variant.
Genome position (GRCh38, 1-based): chr1:204,155,152, C>T on the plus strand (G>A on the coding strand, the complement: REN is on the minus strand). VCF-style: chr1-204155152-C-T. GRCh37 (hg19) VCF-style: chr1-204124280-C-T.
Other names: short protein forms C362Y.
Identifiers: ClinVar variation 3236115 (VCV003236115.1), dbSNP rs2527479294, ClinGen allele CA344332426.

ClinVar aggregate classification (germline): Uncertain significance (1 of 4 stars; one submission).

Conditions:
Familial juvenile hyperuricemic nephropathy type 2 (ADTKD4). Also called: Autosomal Dominant Tubulointerstitial Kidney Disease – REN; EARLY-ONSET HYPERURICEMIA, ANEMIA, AND PROGRESSIVE KIDNEY FAILURE. Identifiers: Orphanet 217330, MedGen C2751310, MONDO:0013128, OMIM 613092.

Submission:

MVZ Medizinische Genetik Mainz
Classification: Uncertain significance for Familial juvenile hyperuricemic nephropathy type 2. Last evaluated: 2023-03-22. Review status: criteria provided, single submitter. Criteria: UK Practice Guidelines For Variant Classification V4 01 2020. Collection method: clinical testing. Allele origin: germline. Inheritance: Autosomal dominant inheritance. Observed: 1 variant allele.
Comment: ACMG Criteria: PM1,PM2_SUP,PP3,PP4